The following is an entry in ClinVar:

ClinVar aggregate classification (germline): Uncertain significance (1 of 4 stars; one submission).

Conditions:
Vici syndrome (VICIS). Identifiers: Orphanet 1493, MedGen C1855772, MONDO:0009452, OMIM 242840.

Submission:

Labcorp Genetics (formerly Invitae), Labcorp
Classification: Uncertain significance for Vici syndrome. Last evaluated: 2025-05-21. Review status: criteria provided, single submitter. Criteria: Invitae Variant Classification Sherloc (09022015). Collection method: clinical testing. Allele origin: germline.
Comment: This sequence change replaces alanine, which is neutral and non-polar, with valine, which is neutral and non-polar, at codon 1597 of the EPG5 protein (p.Ala1597Val). This variant is not present in population databases (gnomAD no frequency). This variant has not been reported in the literature in individuals affected with EPG5-related conditions. ClinVar contains an entry for this variant (Variation ID: 1483243). Invitae Evidence Modeling of protein sequence and biophysical properties (such as structural, functional, and spatial information, amino acid conservation, physicochemical variation, residue mobility, and thermodynamic stability) indicates that this missense variant is expected to disrupt EPG5 protein function with a positive predictive value of 80%. In summary, the available evidence is currently insufficient to determine the role of this variant in disease. Therefore, it has been classified as a Variant of Uncertain Significance.

NM_020964.3(EPG5):c.4790C>T (p.Ala1597Val)

Gene: EPG5 (ectopic P-granules 5 autophagy tethering factor; minus strand). Cytogenetic location: 18q12.3.
Variant type: single nucleotide variant.
Coding change: c.4790C>T on transcript NM_020964.3 (MANE Select); coding-DNA position 4790, C replaced by T.
Protein change: p.Ala1597Val; replaces alanine 1597 with valine.
Molecular consequence: missense variant.
Genome position (GRCh38, 1-based): chr18:45,899,423, G>A on the plus strand (C>T on the coding strand, the complement: EPG5 is on the minus strand). VCF-style: chr18-45899423-G-A. GRCh37 (hg19) VCF-style: chr18-43479388-G-A.
Other names: short protein forms A1597V.
Identifiers: ClinVar variation 1483243 (VCV001483243.9), dbSNP rs2145575510, ClinGen allele CA402336715.
Genomic context (GRCh38, chr18:45,899,423, plus strand): 5'-AATTAAAATTCTCTCAGTTCTGAAGAAATTTAAACACTTACCTGAACCGTGACAACTGCG[G>A]CTCCTTGGCATTTCTTACCGCTGCTGCCTCTGCACTCCAAATGTAGTGTGGTCTGTTCTT-3'
Protein context (NP_066015.2, residues 1587-1607): RGSSGKKCQG[Ala1597Val]AVVTVQFEGM